The following is an entry in ClinVar:

ClinVar aggregate classification (germline): Benign/Likely benign. Review status: criteria provided, multiple submitters, no conflicts (2 of 4 stars). 4 submissions from 4 submitters: Benign (2); Likely benign (1). 1 of the submissions does not count toward it. Last evaluated 2026-02-01.

Conditions:
KMT2D-related disorder. Also called: KMT2D-Related Disorders.
Kabuki syndrome. Also called: NIIKAWA-KUROKI SYNDROME; Kabuki make-up syndrome. Identifiers: Orphanet 2322, MedGen C0796004, MONDO:0016512.

Allele frequency attached by ClinVar (database versions not stated): gnomAD 0.00003; TOPMed 0.00006; ExAC 0.00011; gnomAD exomes 0.00011.
gnomAD v4.1: 32 of 1,581,358 alleles (0.002%); highest among the groups gnomAD compares: Admixed American, 0.055%; no homozygotes.

Submissions (4):

Labcorp Genetics (formerly Invitae), Labcorp
Classification: Likely benign for Kabuki syndrome. Last evaluated: 2026-02-01. Review status: criteria provided, single submitter. Criteria: Invitae Variant Classification Sherloc (09022015). Collection method: clinical testing. Allele origin: germline.

Athena Diagnostics
Classification: Benign. Last evaluated: 2024-12-06. Review status: criteria provided, single submitter. Criteria: Athena Diagnostics Criteria. Collection method: clinical testing. Allele origin: unknown.
Comment: The frequency of this variant in the general population is higher than would generally be expected for pathogenic variants in this gene. Computational tools yielded predictions that this variant is unlikely to have an effect on normal RNA splicing.

GeneDx
Classification: Benign. Last evaluated: 2020-02-03. Review status: criteria provided, single submitter. Criteria: GeneDx Variant Classification Process June 2021. Collection method: clinical testing. Allele origin: germline. Affected: yes.

PreventionGenetics, part of Exact Sciences
Classification: Likely benign for KMT2D-related condition. Last evaluated: 2021-04-07. Review status: no assertion criteria provided. Collection method: clinical testing. Allele origin: germline. Not counted in ClinVar's aggregate classification.
Comment: This variant is classified as likely benign based on ACMG/AMP sequence variant interpretation guidelines (Richards et al. 2015 PMID: 25741868, with internal and published modifications).

NM_003482.4(KMT2D):c.10206G>C (p.Leu3402=)

Gene: KMT2D (lysine methyltransferase 2D; minus strand). Cytogenetic location: 12q13.12.
Variant type: single nucleotide variant.
Coding change: c.10206G>C on transcript NM_003482.4 (MANE Select); coding-DNA position 10206, G replaced by C.
Protein change: p.Leu3402=; no amino-acid change (leucine 3402 retained).
Molecular consequence: synonymous variant.
Genome position (GRCh38, 1-based): chr12:49,037,150, C>G on the plus strand (G>C on the coding strand, the complement: KMT2D is on the minus strand). VCF-style: chr12-49037150-C-G. GRCh37 (hg19) VCF-style: chr12-49430933-C-G.
Identifiers: ClinVar variation 772451 (VCV000772451.13), dbSNP rs776321392, ClinGen allele CA6546585.
Genomic context (GRCh38, chr12:49,037,150, plus strand): 5'-CTGAGTAACTTGGCTATGTTACCAGCTGAGGTTACCTGTATCTGGGAAGAAGCTGTTTGC[C>G]AGCTGCTGCTGCATTGCCAATTGCTGCGGCTTCATGCACATGGAAGGTGGCATGGTGCCC-3'
Protein context (NP_003473.3, residues 3392-3412): KPQQLAMQQQ[Leu3402=]ANSFFPDTDL